The following is an entry in ClinVar:

ClinVar aggregate classification (germline): Uncertain significance (1 of 4 stars; one submission).

Submission:

GeneDx
Classification: Uncertain significance. Last evaluated: 2018-05-21. Review status: criteria provided, single submitter. Criteria: GeneDx Variant Classification (06012015). Collection method: clinical testing. Allele origin: germline. Affected: yes.
Comment: The c.1337-5_1343del12 variant in the MMP2 gene has not been reported previously as a pathogenic variant nor as a benign variant, to our knowledge. This splice site variant destroys the canonical splice acceptor site in intron 8. It is predicted to cause abnormal gene splicing, either leading to an abnormal message that is subject to nonsense-mediated mRNA decay, or to an abnormal protein product if the message is used for protein translation. The c.1337-5_1343del12 variant is observed in 1/23996 (0.004%) alleles from individuals of African background, and 3/276192 total alleles in large population cohorts (Lek et al., 2016). We interpret c.1337-5_1343del12 as a variant of uncertain significance.

NM_004530.6(MMP2):c.1337-5_1343del

Gene: MMP2 (matrix metallopeptidase 2; plus strand). Cytogenetic location: 16q12.2.
Variant type: Deletion.
Coding change: c.1337-5_1343del on transcript NM_004530.6 (MANE Select); 5 bases into the intron before coding-DNA position 1337 through coding-DNA position 1343, 12 bases deleted (CCCAGGGGCCTC).
Molecular consequence: splice acceptor variant.
Genome position (GRCh38, 1-based): chr16:55,493,153-55,493,164, CCCAGGGGCCTC deleted; deleting any 12 consecutive bases within chr16:55,493,150-55,493,164 gives the same sequence; the c. name uses the placement nearest the transcript's 3' end. VCF-style (leftmost placement, unchanged base first): chr16-55493149-TCTCCCCAGGGGC-T. GRCh37 (hg19) VCF-style: chr16-55527061-TCTCCCCAGGGGC-T.
Other names: c.1337-5_1343delCCCAGGGGCCTC (NM_004530.5); c.1109-5_1115del (NM_001302508.1, NM_001302510.2, NM_001302509.2); c.1187-5_1193del (NM_001127891.3).
Identifiers: ClinVar variation 546219 (VCV000546219.2), dbSNP rs757234415, ClinGen allele CA8060409.